The following is an entry in ClinVar:

ClinVar aggregate classification (germline): Conflicting classifications of pathogenicity. Review status: criteria provided, conflicting classifications (1 of 4 stars). 4 submissions from 4 submitters: Uncertain significance (1); Benign (1); Likely benign (2). Last evaluated 2025-11-22.

Allele frequency attached by ClinVar (database versions not stated): ExAC 0.00024; gnomAD 0.00025.
gnomAD v4.1: 373 of 1,614,032 alleles (0.023%); highest among the groups gnomAD compares: Non-Finnish European, 0.0066%; 2 homozygotes.

Submissions (4):

Labcorp Genetics (formerly Invitae), Labcorp
Classification: Benign. Last evaluated: 2025-11-22. Review status: criteria provided, single submitter. Criteria: Invitae Variant Classification Sherloc (09022015). Collection method: clinical testing. Allele origin: germline.

Blueprint Genetics
Classification: Likely benign. Last evaluated: 2024-06-21. Review status: criteria provided, single submitter. Criteria: ACMG Guidelines, 2015. Collection method: clinical testing. Allele origin: germline.

CeGaT Center for Human Genetics Tuebingen
Classification: Likely benign. Last evaluated: 2024-01-01. Review status: criteria provided, single submitter. Criteria: CeGaT Center For Human Genetics Tuebingen Variant Classification Criteria Version 2. Collection method: clinical testing. Allele origin: germline. Affected: yes. Observed: 1 variant allele.
Comment: FAT2: BP4, BS2

Ambry Genetics
Classification: Uncertain significance. Last evaluated: 2022-01-04. Review status: criteria provided, single submitter. Criteria: Ambry Variant Classification Scheme 2023. Collection method: clinical testing. Allele origin: germline.

NM_001447.3(FAT2):c.1211T>A (p.Val404Glu)

Gene: FAT2 (FAT atypical cadherin 2; minus strand). Cytogenetic location: 5q33.1.
Variant type: single nucleotide variant.
Coding change: c.1211T>A on transcript NM_001447.3 (MANE Select); coding-DNA position 1211, T replaced by A.
Protein change: p.Val404Glu; replaces valine 404 with glutamic acid.
Molecular consequence: missense variant.
Genome position (GRCh38, 1-based): chr5:151,567,721, A>T on the plus strand (T>A on the coding strand, the complement: FAT2 is on the minus strand). VCF-style: chr5-151567721-A-T. GRCh37 (hg19) VCF-style: chr5-150947282-A-T.
Other names: c.1211T>A (NM_001447.2); short protein forms V404E.
Identifiers: ClinVar variation 2709374 (VCV002709374.27), dbSNP rs201258878, ClinGen allele CA3522296.